The following is an entry in ClinVar:

ClinVar aggregate classification (germline): Likely benign. Review status: criteria provided, multiple submitters, no conflicts (2 of 4 stars). 3 submissions from 3 submitters: Likely benign (3). Last evaluated 2025-12-31.

Conditions:
Ataxia-telangiectasia syndrome (AT). Also called: Ataxia telangiectasia (A-T); Ataxia-telangiectasia, complementation group D; Cerebello-oculocutaneous telangiectasia; Immunodeficiency with ataxia telangiectasia; LOUIS-BAR SYNDROME; AT, COMPLEMENTATION GROUP C. Identifiers: Orphanet 100, MedGen C0004135, MONDO:0008840, OMIM 208900.
Familial cancer of breast. Also called: BREAST CANCER, FAMILIAL; hereditary breast carcinoma; Hereditary breast cancer. Identifiers: Orphanet 227535, MedGen C0346153, MONDO:0016419, OMIM 114480. Disease mechanism: loss of function.

Submissions (3):

Labcorp Genetics (formerly Invitae), Labcorp
Classification: Likely benign for Ataxia-telangiectasia syndrome. Last evaluated: 2025-12-31. Review status: criteria provided, single submitter. Criteria: Invitae Variant Classification Sherloc (09022015). Collection method: clinical testing. Allele origin: germline.

Blueprint Genetics
Classification: Likely benign. Last evaluated: 2024-06-12. Review status: criteria provided, single submitter. Criteria: ACMG Guidelines, 2015. Collection method: clinical testing. Allele origin: germline.

Myriad Genetics, Inc.
Classification: Likely benign for Familial cancer of breast. Last evaluated: 2024-04-18. Review status: criteria provided, single submitter. Criteria: Myriad Autosomal Dominant, Autosomal Recessive and X-Linked Classification Criteria (2023). Collection method: clinical testing. Allele origin: unknown.
Comment: This variant is considered likely benign. This variant is intronic and is not expected to impact mRNA splicing.

NM_000051.4(ATM):c.332-16_332-13del

Gene: ATM (ATM serine/threonine kinase; plus strand). Cytogenetic location: 11q22.3.
Variant type: Deletion.
Coding change: c.332-16_332-13del on transcript NM_000051.4 (MANE Select); 16 bases into the intron before coding-DNA position 332 through 13 bases into the intron before coding-DNA position 332, 4 bases deleted (GTTT; older notation c.332-16_332-13delGTTT).
Molecular consequence: intron variant.
Genome position (GRCh38, 1-based): chr11:108,235,654-108,235,657, GTTT deleted; deleting any 4 consecutive bases within chr11:108,235,651-108,235,657 gives the same sequence; the c. name uses the placement nearest the transcript's 3' end. VCF-style (leftmost placement, unchanged base first): chr11-108235650-ATTTG-A. GRCh37 (hg19) VCF-style: chr11-108106377-ATTTG-A.
Other names: c.332-16_332-13del (NM_001351834.2).
Identifiers: ClinVar variation 2080031 (VCV002080031.5), dbSNP rs778591395, ClinGen allele CA6264588.